The following is an entry in ClinVar:

ClinVar aggregate classification (germline): Conflicting classifications of pathogenicity. Review status: criteria provided, conflicting classifications (1 of 4 stars). 2 submissions from 2 submitters: Likely pathogenic (1); Uncertain significance (1). Last evaluated 2025-05-15.

Allele frequency attached by ClinVar (database versions not stated): gnomAD exomes below 0.00001.
gnomAD v4.1: 1 of 1,614,012 alleles (0.000062%); highest among the groups gnomAD compares: Non-Finnish European, 0.000085%; no homozygotes.

Submissions (2):

GeneDx
Classification: Likely pathogenic. Last evaluated: 2025-05-15. Review status: criteria provided, single submitter. Criteria: GeneDx Variant Classification Process June 2021. Collection method: clinical testing. Allele origin: germline. Affected: yes.
Comment: Reported in a proband with infantile- or childhood-onset epilepsy, but detailed clinical information and familial segregation information were not provided (PMID: 36403551); Reported de novo in a proband with a developmental disorder from a large cohort study, but detailed clinical information was not provided (PMID: 33057194, 35982159); Not observed at significant frequency in large population cohorts (gnomAD); In silico analysis supports that this missense variant has a deleterious effect on protein structure/function; This variant is associated with the following publications: (PMID: 33057194, 35982159, 36403551)

Revvity Omics, Revvity
Classification: Uncertain significance. Last evaluated: 2020-10-06. Review status: criteria provided, single submitter. Criteria: ACMG Guidelines, 2015. Collection method: clinical testing. Allele origin: germline.

NM_001845.6(COL4A1):c.943C>T (p.Arg315Cys)

Gene: COL4A1 (collagen type IV alpha 1 chain; minus strand). Cytogenetic location: 13q34.
Variant type: single nucleotide variant.
Coding change: c.943C>T on transcript NM_001845.6 (MANE Select); coding-DNA position 943, C replaced by T.
Protein change: p.Arg315Cys; replaces arginine 315 with cysteine.
Molecular consequence: missense variant.
Genome position (GRCh38, 1-based): chr13:110,205,367, G>A on the plus strand (C>T on the coding strand, the complement: COL4A1 is on the minus strand). VCF-style: chr13-110205367-G-A. GRCh37 (hg19) VCF-style: chr13-110857714-G-A.
Other names: c.943C>T, p.Arg315Cys (NM_001303110.2); short protein forms R315C.
Identifiers: ClinVar variation 372328 (VCV000372328.7), dbSNP rs1057517719, ClinGen allele CA16042820.
Genomic context (GRCh38, chr13:110,205,367, plus strand): 5'-GAATTGGAAAGTGAAGATAAAGGCTCACAATAGTGCCAGCGTTTACCTGCGGGCCCTGGC[G>A]GCCTATGAGTCCTGGGTACCCGGGTTCACCAGGAAAACCCTGAAACCGAAGAGAGAAGCA-3'
Protein context (NP_001836.3, residues 305-325): GEPGYPGLIG[Arg315Cys]QGPQGEKGEA